The following is an entry in ClinVar:

ClinVar aggregate classification (germline): Benign (0 of 4 stars; one submission).

Conditions:
NPHP4-related disorder. Also called: NPHP4-related disorders; NPHP4-related condition. Identifiers: MedGen CN239384.

Allele frequency attached by ClinVar (database versions not stated): 1000 Genomes Project 0.00060; 1000 Genomes Project 30x 0.00109; ESP Exome Variant Server 0.00208.
gnomAD v4.1: 4,284 of 1,608,280 alleles (0.27%); highest among the groups gnomAD compares: Non-Finnish European, 0.29%; 13 homozygotes.

Submission:

PreventionGenetics, part of Exact Sciences
Classification: Benign for NPHP4-related condition. Last evaluated: 2019-10-16. Review status: no assertion criteria provided. Collection method: clinical testing. Allele origin: germline.
Comment: This variant is classified as benign based on ACMG/AMP sequence variant interpretation guidelines (Richards et al. 2015 PMID: 25741868, with internal and published modifications).

NM_015102.5(NPHP4):c.4141-32G>A

Gene: NPHP4 (nephrocystin 4; minus strand). Cytogenetic location: 1p36.31.
Variant type: single nucleotide variant.
Coding change: c.4141-32G>A on transcript NM_015102.5 (MANE Select); 32 bases into the intron before coding-DNA position 4141, G replaced by A.
Molecular consequence: intron variant.
Genome position (GRCh38, 1-based): chr1:5,863,437, C>T on the plus strand (G>A on the coding strand, the complement: NPHP4 is on the minus strand). VCF-style: chr1-5863437-C-T. GRCh37 (hg19) VCF-style: chr1-5923497-C-T.
Other names: c.2605-32G>A (NM_001291594.2); c.2602-32G>A (NM_001291593.2).
Identifiers: ClinVar variation 3043406 (VCV003043406.2), dbSNP rs112561195, ClinGen allele CA553325.
Genomic context (GRCh38, chr1:5,863,437, plus strand): 5'-CCGATGGTGTAGGTCTCTCCACCCCCGACCTGGAAATAAGCATCCAAATCCCAGCATCCA[C>T]CCCCGGGCTGTCCCACGCTCTCACCAGCAACCTCTCTGCATGGTCGTGTTTATTTCCAAG-3'